The following is an entry in ClinVar:

ClinVar aggregate classification (germline): Uncertain significance. Review status: criteria provided, multiple submitters, no conflicts (2 of 4 stars). 6 submissions from 6 submitters: Uncertain significance (5). 1 of the submissions does not count toward it. Last evaluated 2025-12-10.

Conditions:
Hereditary cancer-predisposing syndrome. Also called: Tumor predisposition; Hereditary Cancer Syndrome; Hereditary neoplastic syndrome; Neoplastic Syndromes, Hereditary. Identifiers: Orphanet 140162, MedGen C0027672, MeSH D009386, MONDO:0015356.
Fanconi anemia (FA). Also called: Fanconi's anemia. Identifiers: Orphanet 84, MedGen C0015625, MeSH D005199, MONDO:0019391.
Fanconi anemia complementation group C (FANCC). Also called: FANCONI PANCYTOPENIA, TYPE 3; FACC; FANCC-Related Fanconi Anemia; Fanconi anemia, group C. Identifiers: Orphanet 84, MedGen C3468041, MONDO:0009213, OMIM 227645.

Allele frequency attached by ClinVar (database versions not stated): gnomAD exomes below 0.00001; gnomAD 0.00007; TOPMed 0.00008.
gnomAD v4.1: 12 of 1,613,846 alleles (0.00074%); highest among the groups gnomAD compares: African/African-American, 0.011%; no homozygotes.

Submissions (6):

Labcorp Genetics (formerly Invitae), Labcorp
Classification: Uncertain significance for Fanconi anemia. Last evaluated: 2025-12-10. Review status: criteria provided, single submitter. Criteria: Invitae Variant Classification Sherloc (09022015). Collection method: clinical testing. Allele origin: germline.
Comment: This sequence change replaces methionine, which is neutral and non-polar, with leucine, which is neutral and non-polar, at codon 297 of the FANCC protein (p.Met297Leu). This variant is present in population databases (rs730881719, gnomAD 0.01%). This variant has not been reported in the literature in individuals affected with FANCC-related conditions. ClinVar contains an entry for this variant (Variation ID: 182481). Invitae Evidence Modeling of protein sequence and biophysical properties (such as structural, functional, and spatial information, amino acid conservation, physicochemical variation, residue mobility, and thermodynamic stability) indicates that this missense variant is not expected to disrupt FANCC protein function with a negative predictive value of 80%. In summary, the available evidence is currently insufficient to determine the role of this variant in disease. Therefore, it has been classified as a Variant of Uncertain Significance.

Ambry Genetics
Classification: Uncertain significance for Hereditary cancer-predisposing syndrome. Last evaluated: 2025-05-16. Review status: criteria provided, single submitter. Criteria: Ambry Variant Classification Scheme 2023. Collection method: clinical testing. Allele origin: germline.
Comment: The p.M297L variant (also known as c.889A>T), located in coding exon 8 of the FANCC gene, results from an A to T substitution at nucleotide position 889. The methionine at codon 297 is replaced by leucine, an amino acid with highly similar properties. This amino acid position is not well conserved in available vertebrate species. In addition, this alteration is predicted to be tolerated by in silico analysis. Since supporting evidence is limited at this time, the clinical significance of this alteration remains unclear.

GeneDx
Classification: Uncertain significance. Last evaluated: 2025-04-21. Review status: criteria provided, single submitter. Criteria: GeneDx Variant Classification Process June 2021. Collection method: clinical testing. Allele origin: germline. Affected: yes.
Comment: Not observed at significant frequency in large population cohorts (gnomAD); In silico analysis indicates that this missense variant does not alter protein structure/function; Has not been previously published as pathogenic or benign to our knowledge; This variant is associated with the following publications: (PMID: Gordon2000[Book])

Fulgent Genetics
Classification: Uncertain significance for Fanconi anemia complementation group C. Last evaluated: 2024-01-16. Review status: criteria provided, single submitter. Criteria: ACMG Guidelines, 2015. Collection method: clinical testing. Allele origin: germline.

St. Jude Molecular Pathology, St. Jude Children's Research Hospital
Classification: Uncertain significance for Fanconi anemia complementation group C. Last evaluated: 2022-03-31. Review status: criteria provided, single submitter. Criteria: St. Jude Assertion Criteria 2020. Collection method: clinical testing. Allele origin: germline.
Comment: The FANCC c.889A>T (p.Met297Leu) missense change has a maximum subpopulation frequency of 0.012% in gnomAD v2.1.1 (PM2_supporting). In silico tools predict a benign effect of this variant on protein function (BP4), but these predictions have not been confirmed by functional studies. To our knowledge, this variant has not been reported in individuals with Fanconi anemia. In summary, this variant meets criteria to be classified as of uncertain significance based on the ACMG/AMP criteria: PM2_supporting, BP4.

Natera, Inc.
Classification: Uncertain significance for Fanconi anemia. Last evaluated: 2018-10-10. Review status: no assertion criteria provided. Collection method: clinical testing. Allele origin: germline. Not counted in ClinVar's aggregate classification.

NM_000136.3(FANCC):c.889A>T (p.Met297Leu)

Genes: FANCC (FA complementation group C; minus strand), AOPEP (aminopeptidase O (putative); plus strand). Cytogenetic location: 9q22.32.
Variant type: single nucleotide variant.
Coding change: c.889A>T on transcript NM_000136.3 (MANE Select); coding-DNA position 889, A replaced by T.
Protein change: p.Met297Leu; replaces methionine 297 with leucine.
Molecular consequence: missense variant.
Genome position (GRCh38, 1-based): chr9:95,126,536, T>A on the plus strand (A>T on the coding strand, the complement: FANCC is on the minus strand). VCF-style: chr9-95126536-T-A. GRCh37 (hg19) VCF-style: chr9-97888818-T-A.
Other names: p.M297L:ATG>TTG; c.889A>T, p.Met297Leu (NM_001243743.2, NM_001243744.2); short protein forms M297L.
Identifiers: ClinVar variation 182481 (VCV000182481.19), dbSNP rs730881719, ClinGen allele CA299172.